The following is an entry in ClinVar:

ClinVar aggregate classification (germline): Uncertain significance (1 of 4 stars; one submission).

Conditions:
Gastrointestinal stromal tumor. Also called: Gastrointestinal stromal tumor, somatic; Gastrointestinal stroma tumor. Identifiers: Orphanet 44890, MedGen C0238198, MeSH D046152, MONDO:0011719, OMIM 606764, HP:0100723.

Allele frequency attached by ClinVar (database versions not stated): gnomAD exomes below 0.00001.
gnomAD v4.1: 1 of 1,611,972 alleles (0.000062%); highest among the groups gnomAD compares: Non-Finnish European, 0.000085%; no homozygotes.

Submission:

Labcorp Genetics (formerly Invitae), Labcorp
Classification: Uncertain significance for Gastrointestinal stromal tumor. Last evaluated: 2023-08-10. Review status: criteria provided, single submitter. Criteria: Invitae Variant Classification Sherloc (09022015). Collection method: clinical testing. Allele origin: germline.
Comment: In summary, the available evidence is currently insufficient to determine the role of this variant in disease. Therefore, it has been classified as a Variant of Uncertain Significance. An algorithm developed to predict the effect of missense changes on protein structure and function (PolyPhen-2) suggests that this variant is likely to be disruptive. This variant has not been reported in the literature in individuals affected with PDGFRA-related conditions. This variant is not present in population databases (gnomAD no frequency). This sequence change replaces glutamic acid, which is acidic and polar, with lysine, which is basic and polar, at codon 936 of the PDGFRA protein (p.Glu936Lys).

NM_006206.6(PDGFRA):c.2806G>A (p.Glu936Lys)

Gene: PDGFRA (platelet derived growth factor receptor alpha; plus strand). Cytogenetic location: 4q12.
Variant type: single nucleotide variant.
Coding change: c.2806G>A on transcript NM_006206.6 (MANE Select); coding-DNA position 2806, G replaced by A.
Protein change: p.Glu936Lys; replaces glutamic acid 936 with lysine.
Molecular consequence: missense variant.
Genome position (GRCh38, 1-based): chr4:54,289,040, G>A. VCF-style: chr4-54289040-G-A. GRCh37 (hg19) VCF-style: chr4-55155207-G-A.
Other names: c.2881G>A, p.Glu961Lys (NM_001347828.2); c.2806G>A, p.Glu936Lys (NM_001347829.2); c.2845G>A, p.Glu949Lys (NM_001347830.2); short protein forms E936K, E961K, E949K.
Identifiers: ClinVar variation 2751482 (VCV002751482.3), dbSNP rs2475560960, ClinGen allele CA356895717.
Genomic context (GRCh38, chr4:54,289,040, plus strand): 5'-GTGCCCACTCTTGAGTTCTGTCCCCACAGCTACGAGATCATGGTGAAATGCTGGAACAGT[G>A]AGCCGGAGAAGAGACCCTCCTTTTACCACCTGAGTGAGATTGTGGAGAATCTGCTGCCTG-3'
Protein context (NP_006197.1, residues 926-946): YEIMVKCWNS[Glu936Lys]PEKRPSFYHL